The following is an entry in ClinVar:

ClinVar aggregate classification (germline): Uncertain significance (1 of 4 stars; one submission).

Conditions:
Early-infantile DEE. Also called: Early infantile epileptic encephalopathy; Early infantile epileptic encephalopathy with suppression bursts; Ohtahara syndrome. Identifiers: Orphanet 1934, MedGen C0393706, MONDO:0800491.

Submission:

Labcorp Genetics (formerly Invitae), Labcorp
Classification: Uncertain significance for Early-infantile DEE. Last evaluated: 2021-10-23. Review status: criteria provided, single submitter. Criteria: Invitae Variant Classification Sherloc (09022015). Collection method: clinical testing. Allele origin: germline.
Comment: This variant is not present in population databases (ExAC no frequency). This variant has not been reported in the literature in individuals affected with SPTAN1-related conditions. Algorithms developed to predict the effect of missense changes on protein structure and function are either unavailable or do not agree on the potential impact of this missense change (SIFT: "Deleterious"; PolyPhen-2: "Possibly Damaging"; Align-GVGD: "Class C0"). In summary, the available evidence is currently insufficient to determine the role of this variant in disease. Therefore, it has been classified as a Variant of Uncertain Significance. This sequence change replaces glutamine with histidine at codon 979 of the SPTAN1 protein (p.Gln979His). The glutamine residue is highly conserved and there is a small physicochemical difference between glutamine and histidine.

NM_001130438.3(SPTAN1):c.2937G>C (p.Gln979His)

Gene: SPTAN1 (spectrin alpha, non-erythrocytic 1; plus strand). Cytogenetic location: 9q34.11.
Variant type: single nucleotide variant.
Coding change: c.2937G>C on transcript NM_001130438.3 (MANE Select); coding-DNA position 2937, G replaced by C.
Protein change: p.Gln979His; replaces glutamine 979 with histidine.
Molecular consequence: missense variant.
Genome position (GRCh38, 1-based): chr9:128,588,874, G>C. VCF-style: chr9-128588874-G-C. GRCh37 (hg19) VCF-style: chr9-131351153-G-C.
Other names: c.2937G>C, p.Gln979His (NM_001195532.2, NM_001363759.2, NM_001363765.2 and 5 more transcripts); c.2973G>C, p.Gln991His (NM_001375312.2, NM_001375318.1); short protein forms Q979H, Q991H.
Identifiers: ClinVar variation 1498937 (VCV001498937.7), dbSNP rs2131267130, ClinGen allele CA375059818.